The following is an entry in ClinVar:

NM_023036.6(DNAI2):c.527_529delinsTAGTGAGACTTCATTTCTACACTTTTTTTTTAATTACCC (p.Arg176_Lys177delinsIleValArgLeuHisPheTyrThrPhePheLeuIleThrGln)

Gene: DNAI2 (dynein axonemal intermediate chain 2; plus strand). Cytogenetic location: 17q25.1.
Variant type: Indel.
Coding change: c.527_529delinsTAGTGAGACTTCATTTCTACACTTTTTTTTTAATTACCC on transcript NM_023036.6 (MANE Select); coding-DNA positions 527 to 529, the reference bases replaced by an inserted sequence.
Protein change: p.Arg176_Lys177delinsIleValArgLeuHisPheTyrThrPhePheLeuIleThrGln.
Molecular consequence: inframe indel. On other transcripts: non-coding transcript variant (1).
Genome position (GRCh38, 1-based): chr17:74,289,653-74,289,655, 3 bases replaced. GRCh37 (hg19): chr17:72,285,792-72,285,794.
Other names: c.527_529delinsTAGTGAGACTTCATTTCTACACTTTTTTTTTAATTACCC, p.Arg176_Lys177delinsIleValArgLeuHisPheTyrThrPhePheLeuIleThrGln (NM_001172810.3, NM_001353167.2).
Identifiers: ClinVar variation 1701330 (VCV001701330.33), dbSNP rs2143941130, ClinGen allele CA2580095120.

ClinVar aggregate classification (germline): Uncertain significance. Review status: criteria provided, multiple submitters, no conflicts (2 of 4 stars). 2 submissions from 2 submitters: Uncertain significance (2). Last evaluated 2022-06-13.

Conditions:
Primary ciliary dyskinesia. Also called: Ciliary dyskinesia. Identifiers: Orphanet 244, MedGen C0008780, MONDO:0016575, HP:0012265.

Submissions (2):

Labcorp Genetics (formerly Invitae), Labcorp
Classification: Uncertain significance for Primary ciliary dyskinesia. Last evaluated: 2022-06-13. Review status: criteria provided, single submitter. Criteria: Invitae Variant Classification Sherloc (09022015). Collection method: clinical testing. Allele origin: germline.
Comment: This variant, c.527_529delins39, is a complex sequence change that results in the deletion of 2 and insertion of 14 amino acid(s) in the DNAI2 protein (p.Arg176_Lys177delins14). This variant is not present in population databases (gnomAD no frequency). This variant has been observed in individual(s) with clinical features of primary ciliary dyskinesia (Invitae). Experimental studies and prediction algorithms are not available or were not evaluated, and the functional significance of this variant is currently unknown. In summary, the available evidence is currently insufficient to determine the role of this variant in disease. Therefore, it has been classified as a Variant of Uncertain Significance.

CeGaT Center for Human Genetics Tuebingen
Classification: Uncertain significance. Last evaluated: 2021-06-01. Review status: criteria provided, single submitter. Criteria: CeGaT Center For Human Genetics Tuebingen Variant Classification Criteria Version 2. Collection method: clinical testing. Allele origin: germline. Affected: yes. Observed: 1 variant allele.